The following is an entry in ClinVar:

NM_145331.3(MAP3K7):c.70C>T (p.Gln24Ter)

Gene: MAP3K7 (mitogen-activated protein kinase kinase kinase 7; minus strand). Cytogenetic location: 6q15.
Variant type: single nucleotide variant.
Coding change: c.70C>T on transcript NM_145331.3 (MANE Select); coding-DNA position 70, C replaced by T.
Protein change: p.Gln24Ter; replaces glutamine 24 with a stop codon.
Molecular consequence: nonsense.
Genome position (GRCh38, 1-based): chr6:90,586,814, G>A on the plus strand (C>T on the coding strand, the complement: MAP3K7 is on the minus strand). VCF-style: chr6-90586814-G-A. GRCh37 (hg19) VCF-style: chr6-91296533-G-A.
Other names: c.70C>T, p.Gln24Ter (NM_003188.4, NM_145332.3, NM_145333.3); short protein forms Q24*.
Identifiers: ClinVar variation 2663173 (VCV002663173.1), dbSNP rs2481906579, ClinGen allele CA365020864.

ClinVar aggregate classification (germline): Uncertain significance (1 of 4 stars; one submission).

Submission:

GeneDx
Classification: Uncertain significance. Last evaluated: 2023-04-10. Review status: criteria provided, single submitter. Criteria: GeneDx Variant Classification Process June 2021. Collection method: clinical testing. Allele origin: germline. Affected: yes.
Comment: Not observed at significant frequency in large population cohorts (gnomAD); Nonsense variant predicted to result in protein truncation or nonsense mediated decay in a gene or region of a gene for which loss of function is not a well-established mechanism of disease; Has not been previously published as pathogenic or benign to our knowledge